The following is an entry in ClinVar:

ClinVar aggregate classification (germline): Uncertain significance (1 of 4 stars; one submission).

Allele frequency attached by ClinVar (database versions not stated): ExAC 0.00005; 1000 Genomes Project 0.00020; ESP Exome Variant Server 0.00022; 1000 Genomes Project 30x 0.00031.
gnomAD v4.1: 58 of 1,550,658 alleles (0.0037%); highest among the groups gnomAD compares: South Asian, 0.006%; no homozygotes.

Submission:

GeneDx
Classification: Uncertain significance. Last evaluated: 2024-05-03. Review status: criteria provided, single submitter. Criteria: GeneDx Variant Classification Process June 2021. Collection method: clinical testing. Allele origin: germline.
Comment: In silico analysis indicates that this missense variant does not alter protein structure/function; Has not been previously published as pathogenic or benign to our knowledge

NM_001367479.1(DNAH14):c.7775G>A (p.Arg2592His)

Gene: DNAH14 (dynein axonemal heavy chain 14; plus strand). Cytogenetic location: 1q42.12.
Variant type: single nucleotide variant.
Coding change: c.7775G>A on transcript NM_001367479.1 (MANE Select); coding-DNA position 7775, G replaced by A.
Protein change: p.Arg2592His; replaces arginine 2592 with histidine.
Molecular consequence: missense variant.
Genome position (GRCh38, 1-based): chr1:225,272,009, G>A. VCF-style: chr1-225272009-G-A. GRCh37 (hg19) VCF-style: chr1-225459711-G-A.
Other names: NM_001373.1:c.7757G>A; short protein forms R2592H.
Identifiers: ClinVar variation 2662462 (VCV002662462.2), dbSNP rs368246646, ClinGen allele CA1416361.
Genomic context (GRCh38, chr1:225,272,009, plus strand): 5'-AAGTTCAGAAAAGTAAGGATCAGATAATATCTTGTTCCCTAGCTATATACCATCAAGTAC[G>A]TCAGAATATGTTACCAACTCCAACAAAATGTCACTACATGTTTAATCTTCGAGATATGTT-3'
Protein context (NP_001354408.1, residues 2582-2602): SCSLAIYHQV[Arg2592His]QNMLPTPTKC